The following is an entry in ClinVar:

NM_018063.5(HELLS):c.1158_1159delinsTT (p.Leu386_Gln387delinsPheTer)

Gene: HELLS (helicase, lymphoid specific; plus strand). Cytogenetic location: 10q23.33.
Variant type: Indel.
Coding change: c.1158_1159delinsTT on transcript NM_018063.5 (MANE Select); coding-DNA positions 1158 to 1159, GC replaced by TT.
Protein change: p.Leu386_Gln387delinsPheTer.
Molecular consequence: nonsense. On other transcripts: intron variant (3).
Genome position (GRCh38, 1-based): chr10:94,581,451-94,581,452, GC replaced by TT. VCF-style: chr10-94581451-GC-TT. GRCh37 (hg19) VCF-style: chr10-96341208-GC-TT.
Other names: c.1158_1159delinsTT, p.Leu386_Gln387delinsPheTer (NM_001289067.2); c.1110_1111delinsTT, p.Leu370_Gln371delinsPheTer (NM_001289068.2); c.1062_1063delinsTT, p.Leu354_Gln355delinsPheTer (NM_001289069.2); c.786_787delinsTT, p.Leu262_Gln263delinsPheTer (NM_001289071.2); c.744_745delinsTT, p.Leu248_Gln249delinsPheTer (NM_001289073.2); c.75_76delinsTT, p.Leu25_Gln26delinsPheTer (NM_001289074.2); c.12-1512_12-1511delinsTT (NM_001289075.2); c.1032+4646_1032+4647delinsTT (NM_001289070.2); and 1 more.
Identifiers: ClinVar variation 4729589 (VCV004729589.1).

ClinVar aggregate classification (germline): Pathogenic (1 of 4 stars; one submission).

Submission:

Labcorp Genetics (formerly Invitae), Labcorp
Classification: Pathogenic. Last evaluated: 2025-10-21. Review status: criteria provided, single submitter. Criteria: Invitae Variant Classification Sherloc (09022015). Collection method: clinical testing. Allele origin: germline.
Comment: This sequence change creates a premature translational stop signal (p.Leu386delinsPhe*) in the HELLS gene. It is expected to result in an absent or disrupted protein product. Loss-of-function variants in HELLS are known to be pathogenic (PMID: 26216346). Information on the frequency of this variant in the gnomAD database is not available, as this variant may be reported differently in the database. This variant has not been reported in the literature in individuals affected with HELLS-related conditions. For these reasons, this variant has been classified as Pathogenic.

Literature cited by the submitters: PubMed 26216346.